The following is an entry in ClinVar:

NM_002907.4(RECQL):c.1460A>G (p.Lys487Arg)

Gene: RECQL (RecQ like helicase; minus strand). Cytogenetic location: 12p12.1.
Variant type: single nucleotide variant.
Coding change: c.1460A>G on transcript NM_002907.4 (MANE Select); coding-DNA position 1460, A replaced by G.
Protein change: p.Lys487Arg; replaces lysine 487 with arginine.
Molecular consequence: missense variant.
Genome position (GRCh38, 1-based): chr12:21,471,635, T>C on the plus strand (A>G on the coding strand, the complement: RECQL is on the minus strand). VCF-style: chr12-21471635-T-C. GRCh37 (hg19) VCF-style: chr12-21624569-T-C.
Other names: c.1460A>G, p.Lys487Arg (NM_032941.3); short protein forms K487R.
Identifiers: ClinVar variation 4152325 (VCV004152325.1).

ClinVar aggregate classification (germline): Uncertain significance (1 of 4 stars; one submission).

Submission:

Ambry Genetics
Classification: Uncertain significance. Last evaluated: 2025-08-29. Review status: criteria provided, single submitter. Criteria: Ambry Variant Classification Scheme 2023. Collection method: clinical testing. Allele origin: germline.
Comment: The p.K487R variant (also known as c.1460A>G), located in coding exon 12 of the RECQL gene, results from an A to G substitution at nucleotide position 1460. The lysine at codon 487 is replaced by arginine, an amino acid with highly similar properties. This amino acid position is conserved. In addition, this alteration is predicted to be tolerated by in silico analysis. Based on the available evidence, the clinical significance of this variant remains unclear.